The following is an entry in ClinVar:

NM_001374828.1(ARID1B):c.3586G>A (p.Val1196Ile)

Gene: ARID1B (AT-rich interaction domain 1B; plus strand). Cytogenetic location: 6q25.3.
Variant type: single nucleotide variant.
Coding change: c.3586G>A on transcript NM_001374828.1 (MANE Select); coding-DNA position 3586, G replaced by A.
Protein change: p.Val1196Ile; replaces valine 1196 with isoleucine.
Molecular consequence: missense variant.
Genome position (GRCh38, 1-based): chr6:157,181,050, G>A. VCF-style: chr6-157181050-G-A. GRCh37 (hg19) VCF-style: chr6-157502184-G-A.
Other names: c.3337G>A, p.Val1113Ile (NM_001346813.1); c.1087G>A, p.Val363Ile (NM_001363725.2); c.3466G>A, p.Val1156Ile (NM_001371656.1, NM_001374820.1); c.3427G>A, p.Val1143Ile (NM_017519.3); c.3217G>A, p.Val1073Ile (NM_020732.3); c.3004G>A, p.Val1002Ile (NM_175863.2); short protein forms V363I, V1002I, V1143I, V1156I, V1073I, V1113I, V1196I.
Identifiers: ClinVar variation 1729005 (VCV001729005.2), dbSNP rs2128317069, ClinGen allele CA366227565.

ClinVar aggregate classification (germline): Uncertain significance (1 of 4 stars; one submission).

Conditions:
Inborn genetic diseases. Identifiers: MedGen C0950123, MeSH D030342.

Allele frequency attached by ClinVar (database versions not stated): gnomAD exomes 0.00001.
gnomAD v4.1: 3 of 1,614,166 alleles (0.00019%); highest among the groups gnomAD compares: Admixed American, 0.0033%; no homozygotes.

Submission:

Ambry Genetics
Classification: Uncertain significance for Inborn genetic diseases. Last evaluated: 2018-08-16. Review status: criteria provided, single submitter. Criteria: Ambry Variant Classification Scheme 2023. Collection method: clinical testing. Allele origin: germline.
Comment: The p.V1073I variant (also known as c.3217G>A), located in coding exon 12 of the ARID1B gene, results from a G to A substitution at nucleotide position 3217. The valine at codon 1073 is replaced by isoleucine, an amino acid with highly similar properties. This amino acid position is well conserved in available vertebrate species. In addition, this alteration is predicted to be tolerated by in silico analysis. Since supporting evidence is limited at this time, the clinical significance of this alteration remains unclear.